The following is an entry in ClinVar:

ClinVar aggregate classification (germline): Uncertain significance. Review status: criteria provided, multiple submitters, no conflicts (2 of 4 stars). 2 submissions from 2 submitters: Uncertain significance (2). Last evaluated 2024-11-12.

Conditions:
Developmental and epileptic encephalopathy, 11 (DEE11). Also called: Early infantile epileptic encephalopathy 11. Identifiers: Orphanet 1934, MedGen C3150987, MONDO:0013388, OMIM 613721.
Seizures, benign familial infantile, 3 (BFIS3). Also called: CONVULSIONS, BENIGN FAMILIAL INFANTILE, 3; Familial neonatal seizures. Identifiers: Orphanet 140927, Orphanet 306, MedGen C1843140, MONDO:0011904, OMIM 607745.

Submissions (2):

GeneDx
Classification: Uncertain significance. Last evaluated: 2024-11-12. Review status: criteria provided, single submitter. Criteria: GeneDx Variant Classification Process June 2021. Collection method: clinical testing. Allele origin: germline. Affected: yes.
Comment: Not observed at significant frequency in large population cohorts (gnomAD); In silico analysis supports that this missense variant has a deleterious effect on protein structure/function; This substitution is predicted to be within the transmembrane segment S1 of the third homologous domain; Has not been previously published as pathogenic or benign to our knowledge

Labcorp Genetics (formerly Invitae), Labcorp
Classification: Uncertain significance for Seizures, benign familial infantile, 3; Developmental and epileptic encephalopathy, 11. Last evaluated: 2024-02-01. Review status: criteria provided, single submitter. Criteria: Invitae Variant Classification Sherloc (09022015). Collection method: clinical testing. Allele origin: germline.
Comment: This sequence change replaces methionine, which is neutral and non-polar, with leucine, which is neutral and non-polar, at codon 1217 of the SCN2A protein (p.Met1217Leu). This variant is not present in population databases (gnomAD no frequency). This variant has not been reported in the literature in individuals affected with SCN2A-related conditions. Advanced modeling of protein sequence and biophysical properties (such as structural, functional, and spatial information, amino acid conservation, physicochemical variation, residue mobility, and thermodynamic stability) has been performed at Invitae for this missense variant, however the output from this modeling did not meet the statistical confidence thresholds required to predict the impact of this variant on SCN2A protein function. In summary, the available evidence is currently insufficient to determine the role of this variant in disease. Therefore, it has been classified as a Variant of Uncertain Significance.

NM_001040142.2(SCN2A):c.3649A>C (p.Met1217Leu)

Gene: SCN2A (sodium voltage-gated channel alpha subunit 2; plus strand). Cytogenetic location: 2q24.3.
Variant type: single nucleotide variant.
Coding change: c.3649A>C on transcript NM_001040142.2 (MANE Select); coding-DNA position 3649, A replaced by C.
Protein change: p.Met1217Leu; replaces methionine 1217 with leucine.
Molecular consequence: missense variant.
Genome position (GRCh38, 1-based): chr2:165,367,345, A>C. VCF-style: chr2-165367345-A-C. GRCh37 (hg19) VCF-style: chr2-166223855-A-C.
Other names: c.3649A>C (NM_021007.2); c.3649A>C, p.Met1217Leu (NM_001040143.2, NM_001371246.1, NM_001371247.1 and 1 more transcripts); short protein forms M1217L.
Identifiers: ClinVar variation 3753666 (VCV003753666.3).